The following is an entry in ClinVar:

ClinVar aggregate classification (germline): Uncertain significance (1 of 4 stars; one submission).

Conditions:
Marfan syndrome (MFS). Also called: MARFAN SYNDROME, TYPE I; Marfan syndrome type 1; Marfan's syndrome; Marfan syndrome, classic; FBN1-Related Marfan Syndrome. Identifiers: Orphanet 284963, Orphanet 558, MedGen C0024796, MONDO:0007947, OMIM 154700.

Submission:

All of Us Research Program, National Institutes of Health
Classification: Uncertain significance for Marfan syndrome. Last evaluated: 2023-08-15. Review status: criteria provided, single submitter. Criteria: ACMG Guidelines, 2015. Collection method: clinical testing. Allele origin: germline. Inheritance: Autosomal dominant inheritance. Observed: 1 variant allele, 1 heterozygote.
Comment: This missense variant replaces valine with alanine at codon 161 of the FBN1 protein. Computational prediction is inconclusive regarding the impact of this variant on protein structure and function (internally defined REVEL score threshold 0.5 < inconclusive < 0.7, PMID: 27666373). To our knowledge, functional studies have not been reported for this variant. This variant has not been reported in individuals affected with FBN1-related disorders in the literature. This variant has not been identified in the general population by the Genome Aggregation Database (gnomAD). The available evidence is insufficient to determine the role of this variant in disease conclusively. Therefore, this variant is classified as a Variant of Uncertain Significance.

This study involves interpretation of variants in research participants for the purpose of population health screening. Participant phenotype was not available at the time of variant classification. Additional details can be found in publication PMID: 35346344, PMCID: PMC8962531

NM_000138.5(FBN1):c.482T>C (p.Val161Ala)

Gene: FBN1 (fibrillin 1; minus strand). Cytogenetic location: 15q21.1.
Variant type: single nucleotide variant.
Coding change: c.482T>C on transcript NM_000138.5 (MANE Select); coding-DNA position 482, T replaced by C.
Protein change: p.Val161Ala; replaces valine 161 with alanine.
Molecular consequence: missense variant.
Genome position (GRCh38, 1-based): chr15:48,596,339, A>G on the plus strand (T>C on the coding strand, the complement: FBN1 is on the minus strand). VCF-style: chr15-48596339-A-G. GRCh37 (hg19) VCF-style: chr15-48888536-A-G.
Other names: c.482T>C, p.Val161Ala (NM_001406716.1, NM_001406717.1); short protein forms V161A.
Identifiers: ClinVar variation 3072921 (VCV003072921.1), dbSNP rs2505754937, ClinGen allele CA392446335.